The following is an entry in ClinVar:

NM_182493.3(MYLK3):c.766G>A (p.Glu256Lys)

Gene: MYLK3 (myosin light chain kinase 3; minus strand). Cytogenetic location: 16q11.2.
Variant type: single nucleotide variant.
Coding change: c.766G>A on transcript NM_182493.3 (MANE Select); coding-DNA position 766, G replaced by A.
Protein change: p.Glu256Lys; replaces glutamic acid 256 with lysine.
Molecular consequence: missense variant. On other transcripts: intron variant (1).
Genome position (GRCh38, 1-based): chr16:46,737,946, C>T on the plus strand (G>A on the coding strand, the complement: MYLK3 is on the minus strand). VCF-style: chr16-46737946-C-T. GRCh37 (hg19) VCF-style: chr16-46771858-C-T.
Other names: c.-23+2111G>A (NM_001308301.1); short protein forms E256K.
Identifiers: ClinVar variation 1482983 (VCV001482983.6), dbSNP rs748243987, ClinGen allele CA8038145.

ClinVar aggregate classification (germline): Uncertain significance (1 of 4 stars; one submission).

Allele frequency attached by ClinVar (database versions not stated): gnomAD 0.00001 and 0.00002; gnomAD exomes 0.00001 and 0.00002; ExAC 0.00002; TOPMed 0.00002.
gnomAD v4.1: 20 of 1,614,076 alleles (0.0012%); highest among the groups gnomAD compares: African/African-American, 0.0027%; no homozygotes.

Submission:

Labcorp Genetics (formerly Invitae), Labcorp
Classification: Uncertain significance. Last evaluated: 2026-01-06. Review status: criteria provided, single submitter. Criteria: Invitae Variant Classification Sherloc (09022015). Collection method: clinical testing. Allele origin: germline.
Comment: This sequence change replaces glutamic acid, which is acidic and polar, with lysine, which is basic and polar, at codon 256 of the MYLK3 protein (p.Glu256Lys). This variant is present in population databases (rs748243987, gnomAD 0.007%). This variant has not been reported in the literature in individuals affected with MYLK3-related conditions. ClinVar contains an entry for this variant (Variation ID: 1482983). An algorithm developed to predict the effect of missense changes on protein structure and function outputs the following: PolyPhen-2: "Benign". The lysine amino acid residue is found in multiple mammalian species, which suggests that this missense change does not adversely affect protein function. In summary, the available evidence is currently insufficient to determine the role of this variant in disease. Therefore, it has been classified as a Variant of Uncertain Significance.